The following is an entry in ClinVar:

NM_018896.5(CACNA1G):c.5438G>A (p.Arg1813Gln)

Gene: CACNA1G (calcium voltage-gated channel subunit alpha1 G; plus strand). Cytogenetic location: 17q21.33.
Variant type: single nucleotide variant.
Coding change: c.5438G>A on transcript NM_018896.5 (MANE Select); coding-DNA position 5438, G replaced by A.
Protein change: p.Arg1813Gln; replaces arginine 1813 with glutamine.
Molecular consequence: missense variant. On other transcripts: non-coding transcript variant (5).
Genome position (GRCh38, 1-based): chr17:50,618,665, G>A. VCF-style: chr17-50618665-G-A. GRCh37 (hg19) VCF-style: chr17-48696026-G-A.
Other names: c.5384G>A, p.Arg1795Gln (NM_001256324.2, NM_198386.3); c.5459G>A, p.Arg1820Gln (NM_001256325.2); c.5303G>A, p.Arg1768Gln (NM_001256326.2, NM_001256330.2); c.5417G>A, p.Arg1806Gln (NM_001256327.2); c.5363G>A, p.Arg1788Gln (NM_001256328.2); c.5336G>A, p.Arg1779Gln (NM_001256329.2, NM_198376.3, NM_198379.3 and 2 more transcripts); c.5282G>A, p.Arg1761Gln (NM_001256331.2); c.5267G>A, p.Arg1756Gln (NM_001256332.2); and 7 more; short protein forms R1756Q, R1761Q, R1768Q, R1772Q, R1775Q, R1777Q, R1779Q, R1786Q.
Identifiers: ClinVar variation 3254963 (VCV003254963.2), dbSNP rs1046806904.

ClinVar aggregate classification (germline): Uncertain significance (1 of 4 stars; one submission).

Conditions:
Spinocerebellar ataxia 42, early-onset, severe, with neurodevelopmental deficits. Identifiers: MedGen C4748120, MONDO:0060758, OMIM 618087.

Allele frequency attached by ClinVar (database versions not stated): gnomAD exomes below 0.00001; TOPMed 0.00001.
gnomAD v4.1: 5 of 1,612,344 alleles (0.00031%); highest among the groups gnomAD compares: African/African-American, 0.0013%; no homozygotes.

Submission:

Victorian Clinical Genetics Services, Murdoch Childrens Research Institute
Classification: Uncertain significance for Spinocerebellar ataxia 42, early-onset, severe, with neurodevelopmental deficits. Last evaluated: 2024-09-22. Review status: criteria provided, single submitter. Criteria: ACMG Guidelines, 2015. Collection method: clinical testing. Allele origin: germline. Inheritance: Autosomal dominant inheritance. Affected: yes.
Comment: Based on the classification scheme VCGS_Germline_v1.3.4, this variant is classified as VUS-3A. Following criteria are met: 0101 - Gain of function is a mechanism of disease in this gene and is associated with severe, early-onset spinocerebellar ataxia 42, with neurodevelopmental deficits (MIM#618087; PMID: 29878067, 32878331). Loss of function and dominant negative have been suggested for spinocerebellar ataxia 42 (MIM#616795), however, evidence demonstrating this is currently limited (PMID: 29878067). (I) 0107 - This gene is associated with autosomal dominant disease. (I) 0200 - Variant is predicted to result in a missense amino acid change from arginine to glutamine. (I) 0251 - This variant is heterozygous. (I) 0301 - Variant is absent from gnomAD (both v2 and v3). (SP) 0309 - An alternative amino acid change at the same position has been observed in gnomAD (v3: 1 heterozygote, 0 homozygotes). (I) 0501 - Missense variant consistently predicted to be damaging by multiple in silico tools or highly conserved with a major amino acid change. (SP) 0603 - Missense variant in a region that is highly intolerant to missense variation (high constraint region in DECIPHER). (SP) 0710 - Another missense variant comparable to the one identified in this case has inconclusive previous evidence for pathogenicity. The variant p.(Arg1813Trp) has been reported as a VUS in ClinVar. (I) 0807 - This variant has no previous evidence of pathogenicity. (I) 0905 - No published segregation evidence has been identified for this variant. (I) 1007 - No published functional evidence has been identified for this variant. (I) 1208 - Inheritance information for this variant is not currently available in this individual. (I) Legend: (SP) - Supporting pathogenic, (I) - Information, (SB) - Supporting benign

Literature cited by the submitters: PubMed 29878067; PubMed 32878331.